The following is an entry in ClinVar:

NM_002691.4(POLD1):c.2789C>T (p.Ala930Val)

Gene: POLD1 (DNA polymerase delta 1, catalytic subunit; plus strand). Cytogenetic location: 19q13.33.
Variant type: single nucleotide variant.
Coding change: c.2789C>T on transcript NM_002691.4 (MANE Select); coding-DNA position 2789, C replaced by T.
Protein change: p.Ala930Val; replaces alanine 930 with valine.
Molecular consequence: missense variant.
Genome position (GRCh38, 1-based): chr19:50,415,795, C>T. VCF-style: chr19-50415795-C-T. GRCh37 (hg19) VCF-style: chr19-50919052-C-T.
Other names: c.2867C>T, p.Ala956Val (LRG_785t2, NM_001308632.1); c.2789C>T, p.Ala930Val (LRG_785t1, NM_001256849.1); short protein forms A930V, A956V.
Identifiers: ClinVar variation 469300 (VCV000469300.14), dbSNP rs1060501855, ClinGen allele CA406986037.
Genomic context (GRCh38, chr19:50,415,795, plus strand): 5'-GGGACCCCGGGAGTGCGCCCAGCCTGGGCGACCGCGTCCCCTACGTGATCATCAGTGCCG[C>T]CAAGGGTGTGGCCGCCTACATGAAGTCGGAGGTCAGGCCCACCTGGCTGCCTGCTCCCGC-3'
Protein context (NP_002682.2, residues 920-940): DRVPYVIISA[Ala930Val]KGVAAYMKSE

ClinVar aggregate classification (germline): Uncertain significance. Review status: criteria provided, multiple submitters, no conflicts (2 of 4 stars). 2 submissions from 2 submitters: Uncertain significance (2). Last evaluated 2025-07-28.

Conditions:
Hereditary cancer-predisposing syndrome. Also called: Neoplastic Syndromes, Hereditary; Hereditary neoplastic syndrome; Tumor predisposition; Hereditary Cancer Syndrome. Identifiers: Orphanet 140162, MedGen C0027672, MeSH D009386, MONDO:0015356.
POLD1-related polyposis and colorectal cancer syndrome (CRCS10). Also called: Colorectal cancer 10; COLORECTAL CANCER, SUSCEPTIBILITY TO, ON CHROMOSOME 19q; Colorectal cancer, susceptibility to, 10. Identifiers: Orphanet 220460, MedGen C2675481, MONDO:0012953, OMIM 612591.

gnomAD v4.1: 2 of 1,561,868 alleles (0.00013%); highest among the groups gnomAD compares: Non-Finnish European, 0.00017%; no homozygotes.

Submissions (2):

Ambry Genetics
Classification: Uncertain significance for Hereditary cancer-predisposing syndrome. Last evaluated: 2025-07-28. Review status: criteria provided, single submitter. Criteria: Ambry Variant Classification Scheme 2023. Collection method: clinical testing. Allele origin: germline.
Comment: The p.A930V variant (also known as c.2789C>T), located in coding exon 21 of the POLD1 gene, results from a C to T substitution at nucleotide position 2789. The alanine at codon 930 is replaced by valine, an amino acid with similar properties. This amino acid position is conserved. In addition, this alteration is predicted to be tolerated by in silico analysis. Since supporting evidence is limited at this time, the clinical significance of this alteration remains unclear.

Labcorp Genetics (formerly Invitae), Labcorp
Classification: Uncertain significance for POLD1-related polyposis and colorectal cancer syndrome. Last evaluated: 2024-12-15. Review status: criteria provided, single submitter. Criteria: Invitae Variant Classification Sherloc (09022015). Collection method: clinical testing. Allele origin: germline.
Comment: This sequence change replaces alanine, which is neutral and non-polar, with valine, which is neutral and non-polar, at codon 930 of the POLD1 protein (p.Ala930Val). This variant is not present in population databases (gnomAD no frequency). This variant has not been reported in the literature in individuals affected with POLD1-related conditions. ClinVar contains an entry for this variant (Variation ID: 469300). Invitae Evidence Modeling of protein sequence and biophysical properties (such as structural, functional, and spatial information, amino acid conservation, physicochemical variation, residue mobility, and thermodynamic stability) indicates that this missense variant is not expected to disrupt POLD1 protein function with a negative predictive value of 80%. In summary, the available evidence is currently insufficient to determine the role of this variant in disease. Therefore, it has been classified as a Variant of Uncertain Significance.